The following is an entry in ClinVar:

ClinVar aggregate classification (germline): Uncertain significance (1 of 4 stars; one submission).

Conditions:
Disseminated atypical mycobacterial infection. Identifiers: MedGen C0694566.

Submission:

Labcorp Genetics (formerly Invitae), Labcorp
Classification: Uncertain significance for Disseminated atypical mycobacterial infection. Last evaluated: 2023-07-16. Review status: criteria provided, single submitter. Criteria: Invitae Variant Classification Sherloc (09022015). Collection method: clinical testing. Allele origin: germline.
Comment: In summary, the available evidence is currently insufficient to determine the role of this variant in disease. Therefore, it has been classified as a Variant of Uncertain Significance. Variants that disrupt the consensus splice site are a relatively common cause of aberrant splicing (PMID: 17576681, 9536098). Algorithms developed to predict the effect of sequence changes on RNA splicing suggest that this variant may create or strengthen a splice site. Algorithms developed to predict the effect of missense changes on protein structure and function output the following: SIFT: "Not Available"; PolyPhen-2: "Possibly Damaging"; Align-GVGD: "Not Available". The aspartic acid amino acid residue is found in multiple mammalian species, which suggests that this missense change does not adversely affect protein function. This variant has not been reported in the literature in individuals affected with IFNGR1-related conditions. This variant is not present in population databases (gnomAD no frequency). This sequence change replaces glycine, which is neutral and non-polar, with aspartic acid, which is acidic and polar, at codon 67 of the IFNGR1 protein (p.Gly67Asp). This variant also falls at the last nucleotide of exon 2, which is part of the consensus splice site for this exon.

Literature cited by the submitters: PubMed 17576681; PubMed 9536098.

NM_000416.3(IFNGR1):c.200G>A (p.Gly67Asp)

Gene: IFNGR1 (interferon gamma receptor 1; minus strand). Cytogenetic location: 6q23.3.
Variant type: single nucleotide variant.
Coding change: c.200G>A on transcript NM_000416.3 (MANE Select); coding-DNA position 200, G replaced by A.
Protein change: p.Gly67Asp; replaces glycine 67 with aspartic acid.
Molecular consequence: missense variant.
Genome position (GRCh38, 1-based): chr6:137,206,963, C>T on the plus strand (G>A on the coding strand, the complement: IFNGR1 is on the minus strand). VCF-style: chr6-137206963-C-T. GRCh37 (hg19) VCF-style: chr6-137528100-C-T.
Other names: c.170G>A, p.Gly57Asp (NM_001363526.1); c.77G>A, p.Gly26Asp (NM_001363527.1); short protein forms G26D, G57D, G67D.
Identifiers: ClinVar variation 2743559 (VCV002743559.3), dbSNP rs2548236486, ClinGen allele CA365775980.